The following is an entry in ClinVar:

ClinVar aggregate classification (germline): Uncertain significance (1 of 4 stars; one submission).

Conditions:
Imerslund-Grasbeck syndrome. Also called: Megaloblastic anemia due to inborn errors of metabolism; ENTEROCYTE COBALAMIN MALABSORPTION; ENTEROCYTE INTRINSIC FACTOR RECEPTOR, DEFECT OF; Imerslund-Gräsbeck syndrome; PERNICIOUS ANEMIA, JUVENILE, DUE TO SELECTIVE INTESTINAL MALABSORPTION OF VITAMIN B12, WITH PROTEINURIA. Identifiers: Orphanet 35858, MedGen C4551825, MONDO:0009853.

gnomAD v4.1: 6 of 1,601,436 alleles (0.00037%); highest among the groups gnomAD compares: Non-Finnish European, 0.00051%; no homozygotes.

Submission:

Labcorp Genetics (formerly Invitae), Labcorp
Classification: Uncertain significance for Imerslund-Grasbeck syndrome. Last evaluated: 2024-03-27. Review status: criteria provided, single submitter. Criteria: Invitae Variant Classification Sherloc (09022015). Collection method: clinical testing. Allele origin: germline.
Comment: This sequence change replaces glycine, which is neutral and non-polar, with arginine, which is basic and polar, at codon 155 of the AMN protein (p.Gly155Arg). This variant is present in population databases (rs764848388, gnomAD 0.002%). This variant has not been reported in the literature in individuals affected with AMN-related conditions. Advanced modeling of protein sequence and biophysical properties (such as structural, functional, and spatial information, amino acid conservation, physicochemical variation, residue mobility, and thermodynamic stability) performed at Invitae indicates that this missense variant is expected to disrupt AMN protein function with a positive predictive value of 80%. In summary, the available evidence is currently insufficient to determine the role of this variant in disease. Therefore, it has been classified as a Variant of Uncertain Significance.

NM_030943.4(AMN):c.463G>C (p.Gly155Arg)

Gene: AMN (amnion associated transmembrane protein; plus strand). Cytogenetic location: 14q32.32.
Variant type: single nucleotide variant.
Coding change: c.463G>C on transcript NM_030943.4 (MANE Select); coding-DNA position 463, G replaced by C.
Protein change: p.Gly155Arg; replaces glycine 155 with arginine.
Molecular consequence: missense variant.
Genome position (GRCh38, 1-based): chr14:102,928,925, G>C. VCF-style: chr14-102928925-G-C. GRCh37 (hg19) VCF-style: chr14-103395262-G-C.
Other names: c.301G>C, p.Gly101Arg (NM_001425246.1); short protein forms G101R, G155R.
Identifiers: ClinVar variation 3623612 (VCV003623612.2).